The following is an entry in ClinVar:

NM_001370466.1(NOD2):c.2230T>A (p.Phe744Ile)

Gene: NOD2 (nucleotide binding oligomerization domain containing 2; plus strand). Cytogenetic location: 16q12.1.
Variant type: single nucleotide variant.
Coding change: c.2230T>A on transcript NM_001370466.1 (MANE Select); coding-DNA position 2230, T replaced by A.
Protein change: p.Phe744Ile; replaces phenylalanine 744 with isoleucine.
Molecular consequence: missense variant. On other transcripts: non-coding transcript variant (1).
Genome position (GRCh38, 1-based): chr16:50,712,222, T>A. VCF-style: chr16-50712222-T-A. GRCh37 (hg19) VCF-style: chr16-50746133-T-A.
Other names: c.2230T>A, p.Phe744Ile (NM_001293557.2); c.2311T>A, p.Phe771Ile (NM_022162.3); short protein forms F771I, F744I.
Identifiers: ClinVar variation 2239104 (VCV002239104.5), dbSNP rs2506434997, ClinGen allele CA395871773.

ClinVar aggregate classification (germline): Uncertain significance. Review status: criteria provided, multiple submitters, no conflicts (2 of 4 stars). 2 submissions from 2 submitters: Uncertain significance (2). Last evaluated 2023-01-01.

Conditions:
Inborn genetic diseases. Identifiers: MedGen C0950123, MeSH D030342.
Regional enteritis. Also called: Enteritis, Granulomatous. Identifiers: MedGen C0678202, MeSH D003424.
Blau syndrome (BLAUS). Also called: GRANULOMATOSIS, FAMILIAL JUVENILE SYSTEMIC; GRANULOMATOSIS, FAMILIAL, BLAU TYPE; GRANULOMATOUS INFLAMMATORY ARTHRITIS, DERMATITIS, AND UVEITIS, FAMILIAL; JABS SYNDROME; ARTHROCUTANEOUVEAL GRANULOMATOSIS. Identifiers: Orphanet 90340, MedGen C5201146, MONDO:0008523, OMIM 186580.

gnomAD v4.1: 2 of 1,613,878 alleles (0.00012%); no homozygotes.

Submissions (2):

Labcorp Genetics (formerly Invitae), Labcorp
Classification: Uncertain significance for Regional enteritis; Blau syndrome. Last evaluated: 2023-01-01. Review status: criteria provided, single submitter. Criteria: Invitae Variant Classification Sherloc (09022015). Collection method: clinical testing. Allele origin: germline.
Comment: In summary, the available evidence is currently insufficient to determine the role of this variant in disease. Therefore, it has been classified as a Variant of Uncertain Significance. Advanced modeling of protein sequence and biophysical properties (such as structural, functional, and spatial information, amino acid conservation, physicochemical variation, residue mobility, and thermodynamic stability) performed at Invitae indicates that this missense variant is not expected to disrupt NOD2 protein function. This variant has not been reported in the literature in individuals affected with NOD2-related conditions. This variant is not present in population databases (gnomAD no frequency). This sequence change replaces phenylalanine, which is neutral and non-polar, with isoleucine, which is neutral and non-polar, at codon 771 of the NOD2 protein (p.Phe771Ile).

Ambry Genetics
Classification: Uncertain significance for Inborn genetic diseases. Last evaluated: 2021-07-21. Review status: criteria provided, single submitter. Criteria: Ambry Variant Classification Scheme 2023. Collection method: clinical testing. Allele origin: germline.